The following is an entry in ClinVar:

ClinVar aggregate classification (germline): Uncertain significance (1 of 4 stars; one submission).

Allele frequency attached by ClinVar (database versions not stated): ExAC 0.00001; TOPMed 0.00001; ESP Exome Variant Server 0.00008.
gnomAD v4.1: 3 of 1,612,992 alleles (0.00019%); highest among the groups gnomAD compares: African/African-American, 0.0027%; no homozygotes.

Submission:

GeneDx
Classification: Uncertain significance. Last evaluated: 2022-11-07. Review status: criteria provided, single submitter. Criteria: GeneDx Variant Classification Process June 2021. Collection method: clinical testing. Allele origin: germline. Affected: yes.
Comment: Not observed at significant frequency in large population cohorts (gnomAD); In silico analysis supports that this missense variant has a deleterious effect on protein structure/function; Has not been previously published as pathogenic or benign to our knowledge

NM_001040436.3(YARS2):c.427G>C (p.Ala143Pro)

Gene: YARS2 (tyrosyl-tRNA synthetase 2; minus strand). Cytogenetic location: 12p11.21.
Variant type: single nucleotide variant.
Coding change: c.427G>C on transcript NM_001040436.3 (MANE Select); coding-DNA position 427, G replaced by C.
Protein change: p.Ala143Pro; replaces alanine 143 with proline.
Molecular consequence: missense variant.
Genome position (GRCh38, 1-based): chr12:32,755,448, C>G on the plus strand (G>C on the coding strand, the complement: YARS2 is on the minus strand). VCF-style: chr12-32755448-C-G. GRCh37 (hg19) VCF-style: chr12-32908382-C-G.
Other names: short protein forms A143P.
Identifiers: ClinVar variation 2501529 (VCV002501529.1), dbSNP rs369915186, ClinGen allele CA6508173.